The following is an entry in ClinVar:

NM_000093.5(COL5A1):c.370G>C (p.Gly124Arg)

Gene: COL5A1 (collagen type V alpha 1 chain; plus strand). Cytogenetic location: 9q34.3.
Variant type: single nucleotide variant.
Coding change: c.370G>C on transcript NM_000093.5 (MANE Select); coding-DNA position 370, G replaced by C.
Protein change: p.Gly124Arg; replaces glycine 124 with arginine.
Molecular consequence: missense variant.
Genome position (GRCh38, 1-based): chr9:134,700,001, G>C. VCF-style: chr9-134700001-G-C. GRCh37 (hg19) VCF-style: chr9-137591847-G-C.
Other names: c.370G>C, p.Gly124Arg (NM_001278074.1); short protein forms G124R.
Identifiers: ClinVar variation 4728118 (VCV004728118.1).

ClinVar aggregate classification (germline): Uncertain significance (1 of 4 stars; one submission).

Conditions:
Ehlers-Danlos syndrome, classic type, 1 (EDSCL1). Also called: EHLERS-DANLOS SYNDROME, GRAVIS TYPE; EHLERS-DANLOS SYNDROME, SEVERE CLASSIC TYPE; Ehlers-Danlos syndrome, type 1; Ehlers-Danlos Syndrome, Classic Type, COL5A1-Related; EDS I. Identifiers: MedGen C0268335, MONDO:0019567, OMIM 130000.

gnomAD v4.1: 1 of 1,613,776 alleles (0.000062%); highest among the groups gnomAD compares: East Asian, 0.0022%; no homozygotes.

Submission:

Labcorp Genetics (formerly Invitae), Labcorp
Classification: Uncertain significance for Ehlers-Danlos syndrome, classic type, 1. Last evaluated: 2026-01-05. Review status: criteria provided, single submitter. Criteria: Invitae Variant Classification Sherloc (09022015). Collection method: clinical testing. Allele origin: germline.
Comment: This sequence change replaces glycine, which is neutral and non-polar, with arginine, which is basic and polar, at codon 124 of the COL5A1 protein (p.Gly124Arg). This variant is not present in population databases (gnomAD no frequency). This variant has not been reported in the literature in individuals affected with COL5A1-related conditions. Invitae Evidence Modeling of protein sequence and biophysical properties (such as structural, functional, and spatial information, amino acid conservation, physicochemical variation, residue mobility, and thermodynamic stability) has been performed for this missense variant. However, the output from this modeling did not meet the statistical confidence thresholds required to predict the impact of this variant on COL5A1 protein function. In summary, the available evidence is currently insufficient to determine the role of this variant in disease. Therefore, it has been classified as a Variant of Uncertain Significance.